The following is an entry in ClinVar:

NM_000057.4(BLM):c.1882+2T>C

Gene: BLM (BLM RecQ like helicase; plus strand). Cytogenetic location: 15q26.1.
Variant type: single nucleotide variant.
Coding change: c.1882+2T>C on transcript NM_000057.4 (MANE Select); the canonical splice donor site of the intron after coding-DNA position 1882, T replaced by C.
Molecular consequence: splice donor variant.
Genome position (GRCh38, 1-based): chr15:90,761,257, T>C. VCF-style: chr15-90761257-T-C. GRCh37 (hg19) VCF-style: chr15-91304487-T-C.
Other names: c.1882+2T>C (NM_001287246.2, NM_001287247.2); c.757+2T>C (NM_001287248.2).
Identifiers: ClinVar variation 2680192 (VCV002680192.5), dbSNP rs2505429939, ClinGen allele CA393844054.

ClinVar aggregate classification (germline): Likely pathogenic. Review status: criteria provided, multiple submitters, no conflicts (2 of 4 stars). 3 submissions from 3 submitters: Likely pathogenic (3). Last evaluated 2025-11-05.

Conditions:
Bloom syndrome (BLM). Also called: Bloom-Torre-Machacek syndrome. Identifiers: Orphanet 125, MedGen C0005859, MONDO:0008876, OMIM 210900.

Submissions (3):

Labcorp Genetics (formerly Invitae), Labcorp
Classification: Likely pathogenic for Bloom syndrome. Last evaluated: 2025-11-05. Review status: criteria provided, single submitter. Criteria: Invitae Variant Classification Sherloc (09022015). Collection method: clinical testing. Allele origin: germline.
Comment: This sequence change affects a donor splice site in intron 7 of the BLM gene. RNA analysis indicates that disruption of this splice site induces altered splicing and may result in an absent or altered protein product. This variant is not present in population databases (gnomAD no frequency). This variant has not been reported in the literature in individuals affected with BLM-related conditions. ClinVar contains an entry for this variant (Variation ID: 2680192). Studies have shown that disruption of this splice site results in activation of a cryptic splice site, and produces a non-functional protein and/or introduces a premature termination codon (internal data). In summary, the currently available evidence indicates that the variant is pathogenic, but additional data are needed to prove that conclusively. Therefore, this variant has been classified as Likely Pathogenic.

Fulgent Genetics
Classification: Likely pathogenic for Bloom syndrome. Last evaluated: 2024-05-05. Review status: criteria provided, single submitter. Criteria: ACMG Guidelines, 2015. Collection method: clinical testing. Allele origin: germline.

Baylor Genetics
Classification: Likely pathogenic for Bloom syndrome. Last evaluated: 2022-03-30. Review status: criteria provided, single submitter. Criteria: ACMG Guidelines, 2015. Collection method: clinical testing. Allele origin: unknown.